The following is an entry in ClinVar:

ClinVar aggregate classification (germline): Uncertain significance (1 of 4 stars; one submission).

gnomAD v4.1: 1 of 1,597,322 alleles (0.000063%); highest among the groups gnomAD compares: Non-Finnish European, 0.000085%; no homozygotes.

Submission:

Labcorp Genetics (formerly Invitae), Labcorp
Classification: Uncertain significance. Last evaluated: 2021-10-23. Review status: criteria provided, single submitter. Criteria: Invitae Variant Classification Sherloc (09022015). Collection method: clinical testing. Allele origin: germline.
Comment: This sequence change replaces arginine with proline at codon 431 of the PEPD protein (p.Arg431Pro). The arginine residue is weakly conserved and there is a moderate physicochemical difference between arginine and proline. This variant is not present in population databases (ExAC no frequency). This variant has not been reported in the literature in individuals affected with PEPD-related conditions. Algorithms developed to predict the effect of missense changes on protein structure and function are either unavailable or do not agree on the potential impact of this missense change (SIFT: "Tolerated"; PolyPhen-2: "Possibly Damaging"; Align-GVGD: "Class C0"). In summary, the available evidence is currently insufficient to determine the role of this variant in disease. Therefore, it has been classified as a Variant of Uncertain Significance.

NM_000285.4(PEPD):c.1292G>C (p.Arg431Pro)

Gene: PEPD (peptidase D; minus strand). Cytogenetic location: 19q13.11.
Variant type: single nucleotide variant.
Coding change: c.1292G>C on transcript NM_000285.4 (MANE Select); coding-DNA position 1292, G replaced by C.
Protein change: p.Arg431Pro; replaces arginine 431 with proline.
Molecular consequence: missense variant.
Genome position (GRCh38, 1-based): chr19:33,387,942, C>G on the plus strand (G>C on the coding strand, the complement: PEPD is on the minus strand). VCF-style: chr19-33387942-C-G. GRCh37 (hg19) VCF-style: chr19-33878848-C-G.
Other names: c.1169G>C, p.Arg390Pro (NM_001166056.2); c.1100G>C, p.Arg367Pro (NM_001166057.2); short protein forms R390P, R431P, R367P.
Identifiers: ClinVar variation 1346656 (VCV001346656.3), dbSNP rs763642654, ClinGen allele CA405220327.